The following is an entry in ClinVar:

NM_002968.3(SALL1):c.870dup (p.Gln291fs)

Gene: SALL1 (spalt like transcription factor 1; minus strand). Cytogenetic location: 16q12.1.
Variant type: Duplication.
Coding change: c.870dup on transcript NM_002968.3 (MANE Select); coding-DNA position 870, one base duplicated (T; older notation c.870dupT).
Protein change: p.Gln291fs; shifts the reading frame from glutamine 291.
Molecular consequence: frameshift variant.
Genome position (GRCh38, 1-based): chr16:51,141,352, A duplicated on the plus strand (T on the coding strand, the reverse complement: SALL1 is on the minus strand). VCF-style (leftmost placement, unchanged base first): chr16-51141351-G-GA. GRCh37 (hg19) VCF-style: chr16-51175262-G-GA.
Other names: c.579dup, p.Gln194fs (NM_001127892.2); short protein forms Q194fs, Q291fs.
Identifiers: ClinVar variation 1075840 (VCV001075840.7), dbSNP rs2143448859, ClinGen allele CA2499223549.

ClinVar aggregate classification (germline): Pathogenic (1 of 4 stars; one submission).

Conditions:
Townes syndrome (TBS). Also called: Townes-Brocks syndrome. Identifiers: Orphanet 857, MedGen C0265246, MeSH C536974, MONDO:0007142.

Submission:

Labcorp Genetics (formerly Invitae), Labcorp
Classification: Pathogenic for Townes syndrome. Last evaluated: 2020-05-21. Review status: criteria provided, single submitter. Criteria: Invitae Variant Classification Sherloc (09022015). Collection method: clinical testing. Allele origin: germline.
Comment: For these reasons, this variant has been classified as Pathogenic. Loss-of-function variants in SALL1 are known to be pathogenic (PMID: 9973281, 12915476, 16088922, 23069192). This variant has not been reported in the literature in individuals with SALL1-related conditions. This variant is not present in population databases (ExAC no frequency). This sequence change creates a premature translational stop signal (p.Gln291Serfs*21) in the SALL1 gene. It is expected to result in an absent or disrupted protein product.

Literature cited by the submitters: PubMed 9973281; PubMed 12915476; PubMed 16088922; PubMed 23069192.